The following is an entry in ClinVar:

ClinVar aggregate classification (germline): Conflicting classifications of pathogenicity. Review status: criteria provided, conflicting classifications (1 of 4 stars). 2 submissions from 2 submitters: Likely pathogenic (1); Uncertain significance (1). Last evaluated 2024-05-03.

Conditions:
Hereditary cancer-predisposing syndrome. Also called: Hereditary neoplastic syndrome; Neoplastic Syndromes, Hereditary; Hereditary Cancer Syndrome; Tumor predisposition. Identifiers: Orphanet 140162, MedGen C0027672, MeSH D009386, MONDO:0015356.

Submissions (2):

Ambry Genetics
Classification: Likely pathogenic for Hereditary cancer-predisposing syndrome. Last evaluated: 2024-05-03. Review status: criteria provided, single submitter. Criteria: Ambry Variant Classification Scheme 2023. Collection method: clinical testing. Allele origin: germline.
Comment: The c.545delA variant, located in coding exon 3 of the XRCC2 gene, results from a deletion of one nucleotide at nucleotide position 545, causing a translational frameshift with a predicted alternate stop codon (p.K182Sfs*3). This alteration occurs at the 3' terminus of theXRCC2 gene, is not expected to trigger nonsense-mediated mRNA decay, and only impacts the last 35% of the protein. However, premature stop codons are typically deleterious in nature, a significant portion of the protein is affected, and the impacted region is critical for protein function (Ambry internal data). This variant has been reported as germline in individuals with breast cancer, MALT lymphoma, and bone marrow failure (Susswein LR et al. Genet Med, 2016 Aug;18:823-32; Gvozdjan K et al. J Neuropathol Exp Neurol, 2019 Dec;78:1174-1177; Kubota Y et al. Leukemia, 2022 Dec;36:2827-2834). This variant is considered to be rare based on population cohorts in the Genome Aggregation Database (gnomAD). Based on the majority of available evidence to date, this variant is likely to be pathogenic.

GeneDx
Classification: Uncertain significance. Last evaluated: 2017-03-08. Review status: criteria provided, single submitter. Criteria: GeneDx Variant Classification (06012015). Collection method: clinical testing. Allele origin: germline. Affected: yes.
Comment: This pathogenic variant is denoted XRCC2 c.545delA at the cDNA level and p.Lys182SerfsX3(K182SfsX3) at the protein level. The normal sequence, with the base that is deleted in brackets, is GAGA[A]GCTT.The deletion causes a frameshift, which changes a Lysine to a Serine at codon 182, and creates a premature stopcodon at position 3 of the new reading frame. Due to the position of the variant, nonsense mediated decay is notexpected to occur, but it might cause loss of normal protein function through protein truncation. The disrupted region isnot in a known functional domain. XRCC2 Lys182SerfsX3 has been observed in at least one individual with breastcancer (Susswein 2015). This variant was not observed at a significant frequency in large population cohorts (Lek2016, The 1000 Genomes Consortium 2015, NHLBI Exome Sequencing Project). Based on currently availableinformation, we consider this to be a variant of uncertain significance.

Literature cited by the submitters: PubMed 26681312 (cited by Ambry Genetics); PubMed 31603477 (cited by Ambry Genetics); PubMed 36266327 (cited by Ambry Genetics).

NM_005431.2(XRCC2):c.545del (p.Lys182fs)

Gene: XRCC2 (X-ray repair cross complementing 2; minus strand). Cytogenetic location: 7q36.1.
Variant type: Deletion.
Coding change: c.545del on transcript NM_005431.2 (MANE Select); coding-DNA position 545, one base deleted (A; older notation c.545delA).
Protein change: p.Lys182fs; shifts the reading frame from lysine 182.
Molecular consequence: frameshift variant.
Genome position (GRCh38, 1-based): chr7:152,648,940, T deleted on the plus strand (A on the coding strand, the reverse complement: XRCC2 is on the minus strand); the first of 2 consecutive T bases (chr7:152,648,940-152,648,941); deleting either gives the same sequence. VCF-style (leftmost placement, unchanged base first): chr7-152648939-CT-C. GRCh37 (hg19) VCF-style: chr7-152346024-CT-C.
Other names: short protein forms K182fs.
Identifiers: ClinVar variation 127958 (VCV000127958.3), dbSNP rs587780129, ClinGen allele CA288138.